The following is an entry in ClinVar:

NM_004006.3(DMD):c.1501G>T (p.Glu501Ter)

Gene: DMD (dystrophin; minus strand). Cytogenetic location: Xp21.1.
Variant type: single nucleotide variant.
Coding change: c.1501G>T on transcript NM_004006.3 (MANE Select); coding-DNA position 1501, G replaced by T.
Protein change: p.Glu501Ter; replaces glutamic acid 501 with a stop codon.
Molecular consequence: nonsense.
Genome position (GRCh38, 1-based): chrX:32,595,858, C>A on the plus strand (G>T on the coding strand, the complement: DMD is on the minus strand). VCF-style: chrX-32595858-C-A. GRCh37 (hg19) VCF-style: chrX-32613975-C-A.
Other names: c.1477G>T, p.Glu493Ter (NM_000109.4); c.1489G>T, p.Glu497Ter (NM_004009.3); c.1132G>T, p.Glu378Ter (NM_004010.3); short protein forms E378*, E493*, E497*, E501*.
Identifiers: ClinVar variation 984112 (VCV000984112.9), dbSNP rs2055461260, ClinGen allele CA412665737.

ClinVar aggregate classification (germline): Pathogenic/Likely pathogenic. Review status: criteria provided, multiple submitters, no conflicts (2 of 4 stars). 2 submissions from 2 submitters: Pathogenic (1); Likely pathogenic (1). Last evaluated 2022-07-31.

Conditions:
Duchenne muscular dystrophy (DMD). Also called: MUSCULAR DYSTROPHY, PSEUDOHYPERTROPHIC PROGRESSIVE, DUCHENNE TYPE; Duchenne Muscular Dystrophy (DMD). Identifiers: Orphanet 98896, MedGen C0013264, MONDO:0010679, OMIM 310200.
Progressive muscular dystrophy. Identifiers: Orphanet 206644, MedGen C4551827, MONDO:0016106.

Submissions (2):

Labcorp Genetics (formerly Invitae), Labcorp
Classification: Pathogenic for Duchenne muscular dystrophy. Last evaluated: 2022-07-31. Review status: criteria provided, single submitter. Criteria: Invitae Variant Classification Sherloc (09022015). Collection method: clinical testing. Allele origin: germline.
Comment: This sequence change creates a premature translational stop signal (p.Glu501*) in the DMD gene. It is expected to result in an absent or disrupted protein product. Loss-of-function variants in DMD are known to be pathogenic (PMID: 16770791, 25007885). This variant is not present in population databases (gnomAD no frequency). This variant has not been reported in the literature in individuals affected with DMD-related conditions. ClinVar contains an entry for this variant (Variation ID: 984112). For these reasons, this variant has been classified as Pathogenic.

Myriad Genetics, Inc.
Classification: Likely pathogenic for Progressive muscular dystrophy. Last evaluated: 2019-12-28. Review status: criteria provided, single submitter. Criteria: Myriad Autosomal Dominant, Autosomal Recessive and X-Linked Classification Criteria (2023). Collection method: clinical testing. Allele origin: unknown.
Comment: NM_004006.2(DMD):c.1501G>T(E501*) is expected to be pathogenic in the context of dystrophinopathy (including Duchenne/Becker muscular dystrophy). This variant is predicted to lead to an abnormal or absent protein product due to the creation of a premature termination codon in DMD, a gene where loss-of-function variants are known to be pathogenic. Please note: this variant was assessed in the context of healthy population screening.

Literature cited by the submitters: PubMed 16770791 (cited by Labcorp Genetics (formerly Invitae), Labcorp); PubMed 25007885 (cited by Labcorp Genetics (formerly Invitae), Labcorp).